The following is an entry in ClinVar:

ClinVar aggregate classification (germline): Conflicting classifications of pathogenicity. Review status: criteria provided, conflicting classifications (1 of 4 stars). 2 submissions from 2 submitters: Likely pathogenic (1); Uncertain significance (1). Last evaluated 2026-07-23.

Conditions:
Inborn genetic diseases. Identifiers: MedGen C0950123, MeSH D030342.

Submissions (2):

GeneDx
Classification: Likely pathogenic. Last evaluated: 2026-07-23. Review status: criteria provided, single submitter. Criteria: GeneDx Variant Classification Process June 2021. Collection method: clinical testing. Allele origin: germline.
Comment: Not observed at significant frequency in large population cohorts (gnomAD); In silico analysis supports that this missense variant has a deleterious effect on protein structure/function; Has not been previously published as pathogenic or benign to our knowledge

Ambry Genetics
Classification: Uncertain significance for Inborn genetic diseases. Last evaluated: 2025-04-03. Review status: criteria provided, single submitter. Criteria: Ambry Variant Classification Scheme 2023. Collection method: clinical testing. Allele origin: germline.
Comment: The c.4448T>C (p.L1483P) alteration is located in exon 35 (coding exon 34) of the CHD2 gene. This alteration results from a T to C substitution at nucleotide position 4448, causing the leucine (L) at amino acid position 1483 to be replaced by a proline (P). This variant was not reported in population-based cohorts in the Genome Aggregation Database (gnomAD). This amino acid position is highly conserved in available vertebrate species. This alteration is predicted to be deleterious by in silico analysis. Based on insufficient or conflicting evidence, the clinical significance of this alteration remains unclear.

NM_001271.4(CHD2):c.4448T>C (p.Leu1483Pro)

Gene: CHD2 (chromodomain helicase DNA binding protein 2; plus strand). Cytogenetic location: 15q26.1.
Variant type: single nucleotide variant.
Coding change: c.4448T>C on transcript NM_001271.4 (MANE Select); coding-DNA position 4448, T replaced by C.
Protein change: p.Leu1483Pro; replaces leucine 1483 with proline.
Molecular consequence: missense variant.
Genome position (GRCh38, 1-based): chr15:93,009,179, T>C. VCF-style: chr15-93009179-T-C. GRCh37 (hg19) VCF-style: chr15-93552409-T-C.
Other names: short protein forms L1483P.
Identifiers: ClinVar variation 4002099 (VCV004002099.3).